The following is an entry in ClinVar:

ClinVar aggregate classification (germline): Uncertain significance. Review status: criteria provided, multiple submitters, no conflicts (2 of 4 stars). 2 submissions from 2 submitters: Uncertain significance (2). Last evaluated 2022-09-03.

Conditions:
Inborn genetic diseases. Identifiers: MedGen C0950123, MeSH D030342.

Allele frequency attached by ClinVar (database versions not stated): gnomAD 0.00001; TOPMed 0.00001.
gnomAD v4.1: 3 of 1,613,176 alleles (0.00019%); highest among the groups gnomAD compares: Admixed American, 0.005%; no homozygotes.

Submissions (2):

Labcorp Genetics (formerly Invitae), Labcorp
Classification: Uncertain significance. Last evaluated: 2022-09-03. Review status: criteria provided, single submitter. Criteria: Invitae Variant Classification Sherloc (09022015). Collection method: clinical testing. Allele origin: germline.
Comment: In summary, the available evidence is currently insufficient to determine the role of this variant in disease. Therefore, it has been classified as a Variant of Uncertain Significance. Variants that disrupt the consensus splice site are a relatively common cause of aberrant splicing (PMID: 17576681, 9536098). Algorithms developed to predict the effect of sequence changes on RNA splicing suggest that this variant is not likely to affect RNA splicing. This variant has not been reported in the literature in individuals affected with CNOT1-related conditions. This variant is present in population databases (no rsID available, gnomAD 0.003%). This sequence change falls in intron 40 of the CNOT1 gene. It does not directly change the encoded amino acid sequence of the CNOT1 protein. It affects a nucleotide within the consensus splice site.

Ambry Genetics
Classification: Uncertain significance for Inborn genetic diseases. Last evaluated: 2022-02-10. Review status: criteria provided, single submitter. Criteria: Ambry Variant Classification Scheme 2023. Collection method: clinical testing. Allele origin: germline.
Comment: The c.5895+4T>C intronic alteration consists of a T to C substitution 4 nucleotides after exon 40 (coding exon 39) of the CNOT1 gene. Based on insufficient or conflicting evidence, the clinical significance of this alteration remains unclear.

Literature cited by the submitters: PubMed 17576681 (cited by Labcorp Genetics (formerly Invitae), Labcorp); PubMed 9536098 (cited by Labcorp Genetics (formerly Invitae), Labcorp).

NM_016284.5(CNOT1):c.5895+4T>C

Gene: CNOT1 (CCR4-NOT transcription complex subunit 1; minus strand). Cytogenetic location: 16q21.
Variant type: single nucleotide variant.
Coding change: c.5895+4T>C on transcript NM_016284.5 (MANE Select); 4 bases into the intron after coding-DNA position 5895, T replaced by C.
Molecular consequence: intron variant.
Genome position (GRCh38, 1-based): chr16:58,534,143, A>G on the plus strand (T>C on the coding strand, the complement: CNOT1 is on the minus strand). VCF-style: chr16-58534143-A-G. GRCh37 (hg19) VCF-style: chr16-58568047-A-G.
Other names: c.5880+4T>C (NM_001265612.2).
Identifiers: ClinVar variation 2014334 (VCV002014334.5), dbSNP rs1228514563, ClinGen allele CA623114401.